The following is an entry in ClinVar:

ClinVar aggregate classification (germline): Uncertain significance (1 of 4 stars; one submission).

Submission:

Ambry Genetics
Classification: Uncertain significance. Last evaluated: 2022-07-15. Review status: criteria provided, single submitter. Criteria: Ambry Variant Classification Scheme 2023. Collection method: clinical testing. Allele origin: germline.
Comment: The p.R1192T variant (also known as c.3575G>C), located in coding exon 4 of the ALPK2 gene, results from a G to C substitution at nucleotide position 3575. The arginine at codon 1192 is replaced by threonine, an amino acid with similar properties. This amino acid position is conserved. In addition, this alteration is predicted to be tolerated by in silico analysis. Since supporting evidence is limited at this time, the clinical significance of this alteration remains unclear.

NM_052947.4(ALPK2):c.3575G>C (p.Arg1192Thr)

Gene: ALPK2 (alpha kinase 2; minus strand). Cytogenetic location: 18q21.31.
Variant type: single nucleotide variant.
Coding change: c.3575G>C on transcript NM_052947.4 (MANE Select); coding-DNA position 3575, G replaced by C.
Protein change: p.Arg1192Thr; replaces arginine 1192 with threonine.
Molecular consequence: missense variant.
Genome position (GRCh38, 1-based): chr18:58,536,612, C>G on the plus strand (G>C on the coding strand, the complement: ALPK2 is on the minus strand). VCF-style: chr18-58536612-C-G. GRCh37 (hg19) VCF-style: chr18-56203844-C-G.
Other names: short protein forms R1192T.
Identifiers: ClinVar variation 1732824 (VCV001732824.2), dbSNP rs2518876283, ClinGen allele CA402566433.
Genomic context (GRCh38, chr18:58,536,612, plus strand): 5'-GGAACGTTGCTCAGAGCCTGACTGTCTTCTTCCCCAGCAGTTTCAGCCACCACGGAGACC[C>G]TCGTCCCCCAACCTGAGCGCTGCCCTGCTCCTTCCCTAGAGCTTGCGGGTGAGTGGGCCG-3'
Protein context (NP_443179.3, residues 1182-1202): GAGQRSGWGT[Arg1192Thr]VSVVAETAGE